The following is an entry in ClinVar:

NM_203446.3(SYNJ1):c.1119-8G>A

Gene: SYNJ1 (synaptojanin 1; minus strand). Cytogenetic location: 21q22.11.
Variant type: single nucleotide variant.
Coding change: c.1119-8G>A on transcript NM_203446.3 (MANE Select); 8 bases into the intron before coding-DNA position 1119, G replaced by A.
Molecular consequence: intron variant.
Genome position (GRCh38, 1-based): chr21:32,684,127, C>T on the plus strand (G>A on the coding strand, the complement: SYNJ1 is on the minus strand). VCF-style: chr21-32684127-C-T. GRCh37 (hg19) VCF-style: chr21-34056437-C-T.
Other names: c.1236-8G>A (NM_003895.4); c.1119-8G>A (NM_001160302.2, NM_001160306.2).
Identifiers: ClinVar variation 2106078 (VCV002106078.4), dbSNP rs138882423, ClinGen allele CA2580098573.
Genomic context (GRCh38, chr21:32,684,127, plus strand): 5'-TTGTTCTATCAAGACAATCCAAGCAGTTTGTTCGAACTGTACCACTCTGGCATCTGTAAC[C>T]AATAAAGTTAAATATCCAGTTTGGAACAAAAATAAAGCTAAAACAAACAGTGAATAATTG-3'

ClinVar aggregate classification (germline): Uncertain significance (1 of 4 stars; one submission).

Conditions:
Developmental and epileptic encephalopathy, 53. Also called: Epileptic encephalopathy, early infantile, 53. Identifiers: MedGen C4479313, MONDO:0033362, OMIM 617389.
Early-onset Parkinson disease 20. Also called: PARKINSON DISEASE 20, AUTOSOMAL RECESSIVE EARLY-ONSET. Identifiers: Orphanet 391411, MedGen C3809824, MONDO:0014233, OMIM 615530.

Submission:

Labcorp Genetics (formerly Invitae), Labcorp
Classification: Uncertain significance for Developmental and epileptic encephalopathy, 53; Early-onset Parkinson disease 20. Last evaluated: 2022-04-25. Review status: criteria provided, single submitter. Criteria: Invitae Variant Classification Sherloc (09022015). Collection method: clinical testing. Allele origin: germline.
Comment: This sequence change falls in intron 9 of the SYNJ1 gene. It does not directly change the encoded amino acid sequence of the SYNJ1 protein. This variant is not present in population databases (gnomAD no frequency). This variant has not been reported in the literature in individuals affected with SYNJ1-related conditions. In summary, the available evidence is currently insufficient to determine the role of this variant in disease. Therefore, it has been classified as a Variant of Uncertain Significance. Algorithms developed to predict the effect of sequence changes on RNA splicing suggest that this variant may disrupt the consensus splice site.